The following is an entry in ClinVar:

ClinVar aggregate classification (germline): Pathogenic. Review status: criteria provided, single submitter (1 of 4 stars). 2 submissions from 2 submitters: Pathogenic (1). 1 of the submissions does not count toward it. Last evaluated 2021-07-27.

Conditions:
Cockayne syndrome type 1. Also called: Cockayne syndrome type I; Cockayne syndrome classical; Cockayne syndrome classic form. Identifiers: Orphanet 191, Orphanet 90321, MedGen C0751039, MONDO:0019569, OMIM 216400.

Allele frequency attached by ClinVar (database versions not stated): TOPMed below 0.00001; gnomAD 0.00001.
gnomAD v4.1: 1 of 1,613,104 alleles (0.000062%); highest among the groups gnomAD compares: Non-Finnish European, 0.000085%; no homozygotes.

Submissions (2):

Labcorp Genetics (formerly Invitae), Labcorp
Classification: Pathogenic. Last evaluated: 2021-07-27. Review status: criteria provided, single submitter. Criteria: Invitae Variant Classification Sherloc (09022015). Collection method: clinical testing. Allele origin: germline.
Comment: This sequence change affects a donor splice site in intron 9 of the ERCC8 gene. RNA analysis indicates that this variant induces altered splicing and may result in an absent or disrupted protein product. This variant is not present in population databases (ExAC no frequency). Disruption of this splice site has been observed in individual(s) with Cockayne syndrome (PMID: 29057985, 30200888). In at least one individual the data is consistent with the variant being in trans (on the opposite chromosome) from a pathogenic variant. ClinVar contains an entry for this variant (Variation ID: 558214). Studies have shown that disruption of this splice site results in inclusion of part of intron 9, which introduces a premature termination codon (PMID: 30200888). The resulting mRNA is expected to undergo nonsense-mediated decay. For these reasons, this variant has been classified as Pathogenic.

Counsyl
Classification: Likely pathogenic for Cockayne syndrome type 1. Last evaluated: 2018-05-10. Review status: no assertion criteria provided. Collection method: clinical testing. Allele origin: unknown. Not counted in ClinVar's aggregate classification.

Literature cited by the submitters: PubMed 29057985 (cited by Labcorp Genetics (formerly Invitae), Labcorp); PubMed 30200888 (cited by Labcorp Genetics (formerly Invitae), Labcorp).

NM_000082.4(ERCC8):c.843+1G>T

Gene: ERCC8 (ERCC excision repair 8, CSA ubiquitin ligase complex subunit; minus strand). Cytogenetic location: 5q12.1.
Variant type: single nucleotide variant.
Coding change: c.843+1G>T on transcript NM_000082.4 (MANE Select); the canonical splice donor site of the intron after coding-DNA position 843, G replaced by T.
Molecular consequence: splice donor variant.
Genome position (GRCh38, 1-based): chr5:60,898,275, C>A on the plus strand (G>T on the coding strand, the complement: ERCC8 is on the minus strand). VCF-style: chr5-60898275-C-A. GRCh37 (hg19) VCF-style: chr5-60194102-C-A.
Other names: c.384+1G>T (NM_001290285.2); c.669+1G>T (NM_001007233.3).
Identifiers: ClinVar variation 558214 (VCV000558214.8), dbSNP rs1305258765, ClinGen allele CA359824812.